The following is an entry in ClinVar:

NM_007294.4(BRCA1):c.3521C>T (p.Ser1174Phe)

Genes: BRCA1 (BRCA1 DNA repair associated; minus strand), LOC126862571 (BRD4-independent group 4 enhancer GRCh37_chr17:41243136-41244335; plus strand). Cytogenetic location: 17q21.31.
Variant type: single nucleotide variant.
Coding change: c.3521C>T on transcript NM_007294.4 (MANE Select); coding-DNA position 3521, C replaced by T.
Protein change: p.Ser1174Phe; replaces serine 1174 with phenylalanine.
Molecular consequence: missense variant. On other transcripts: intron variant (135).
Genome position (GRCh38, 1-based): chr17:43,092,010, G>A on the plus strand (C>T on the coding strand, the complement: BRCA1 is on the minus strand). VCF-style: chr17-43092010-G-A. GRCh37 (hg19) VCF-style: chr17-41244027-G-A.
Other names: c.3521C>T, p.Ser1174Phe (NM_001407593.1, NM_001407594.1, NM_001407596.1 and 30 more transcripts); c.3518C>T, p.Ser1173Phe (NM_001407610.1, NM_001407611.1, NM_001407612.1 and 22 more transcripts); c.3512C>T, p.Ser1171Phe (NM_001407646.1, NM_001407647.1); c.3398C>T, p.Ser1133Phe (NM_001407648.1, NM_001407664.1, NM_001407665.1 and 19 more transcripts); c.3395C>T, p.Ser1132Phe (NM_001407649.1, NM_001407670.1, NM_001407671.1 and 11 more transcripts); c.3443C>T, p.Ser1148Phe (NM_001407653.1, NM_001407654.1, NM_001407655.1 and 4 more transcripts); c.3440C>T, p.Ser1147Phe (NM_001407659.1, NM_001407660.1, NM_001407661.1 and 1 more transcripts); c.3380C>T, p.Ser1127Phe (NM_001407692.1, NM_001407694.1, NM_001407695.1 and 29 more transcripts); and 41 more; short protein forms S1127F, S1174F, S1006F, S1047F, S1062F, S1063F, S1085F, S1106F.
Identifiers: ClinVar variation 1051872 (VCV001051872.12), dbSNP rs1055368753, ClinGen allele CA10594926.

ClinVar aggregate classification (germline): Conflicting classifications of pathogenicity. Review status: criteria provided, conflicting classifications (1 of 4 stars). 2 submissions from 2 submitters: Uncertain significance (1); Likely benign (1). Last evaluated 2023-03-23.

Conditions:
Hereditary cancer-predisposing syndrome. Also called: Tumor predisposition; Hereditary neoplastic syndrome; Hereditary Cancer Syndrome; Neoplastic Syndromes, Hereditary. Identifiers: Orphanet 140162, MedGen C0027672, MeSH D009386, MONDO:0015356.
Hereditary breast ovarian cancer syndrome. Also called: Hereditary breast and ovarian cancer syndrome; Hereditary breast and ovarian cancer; Hereditary breast and ovarian cancer syndrome (HBOC); BRCA1- and BRCA2-Associated Hereditary Breast and Ovarian Cancer; Hereditary breast and/or ovarian cancer syndrome; Breast and ovarian cancer. Identifiers: Orphanet 145, MedGen C0677776, MeSH D061325, MONDO:0003582. Disease mechanism: loss of function.

Allele frequency attached by ClinVar (database versions not stated): TOPMed below 0.00001.

Submissions (2):

University of Washington Department of Laboratory Medicine, University of Washington
Classification: Likely benign for Hereditary cancer-predisposing syndrome. Last evaluated: 2023-03-23. Review status: criteria provided, single submitter. Criteria: Dines et al. (Genet Med. 2020). Collection method: curation. Allele origin: germline.
Comment: Missense variant in a coldspot region where missense variants are very unlikely to be pathogenic (PMID:31911673).

BRCA1 coldspot (exon 11 using historical exon numbering). Reclassification based on statistical prior probability

Labcorp Genetics (formerly Invitae), Labcorp
Classification: Uncertain significance for Hereditary breast ovarian cancer syndrome. Last evaluated: 2020-08-08. Review status: criteria provided, single submitter. Criteria: Invitae Variant Classification Sherloc (09022015). Collection method: clinical testing. Allele origin: germline.
Comment: In summary, the available evidence is currently insufficient to determine the role of this variant in disease. Therefore, it has been classified as a Variant of Uncertain Significance. Algorithms developed to predict the effect of missense changes on protein structure and function are either unavailable or do not agree on the potential impact of this missense change (SIFT: "Deleterious"; PolyPhen-2: "Probably Damaging"; Align-GVGD: "Class C0"). This variant has not been reported in the literature in individuals with BRCA1-related conditions. This variant is not present in population databases (ExAC no frequency). This sequence change replaces serine with phenylalanine at codon 1174 of the BRCA1 protein (p.Ser1174Phe). The serine residue is moderately conserved and there is a large physicochemical difference between serine and phenylalanine.